The following is an entry in ClinVar:

NM_003119.4(SPG7):c.297C>G (p.Phe99Leu)

Gene: SPG7 (SPG7 matrix AAA peptidase subunit, paraplegin; plus strand). Cytogenetic location: 16q24.3.
Variant type: single nucleotide variant.
Coding change: c.297C>G on transcript NM_003119.4 (MANE Select); coding-DNA position 297, C replaced by G.
Protein change: p.Phe99Leu; replaces phenylalanine 99 with leucine.
Molecular consequence: missense variant.
Genome position (GRCh38, 1-based): chr16:89,512,958, C>G. VCF-style: chr16-89512958-C-G. GRCh37 (hg19) VCF-style: chr16-89579366-C-G.
Other names: c.297C>G, p.Phe99Leu (NM_001363850.1, NM_199367.3); short protein forms F99L.
Identifiers: ClinVar variation 2768115 (VCV002768115.3), dbSNP rs1053348858, ClinGen allele CA286523627.

ClinVar aggregate classification (germline): Uncertain significance (1 of 4 stars; one submission).

Conditions:
Hereditary spastic paraplegia 7 (SPG7). Also called: SPG7-related neurologic disorder; Spastic paraplegia 7; Hereditary spastic paraplegia Paraplegin type; Autosomal recessive spastic paraplegia type 7; SPASTIC PARAPLEGIA 7, AUTOSOMAL RECESSIVE, WITH OR WITHOUT CEREBELLAR ATAXIA. Identifiers: Orphanet 99013, MedGen C1846564, MONDO:0011803, OMIM 607259.

gnomAD v4.1: 8 of 1,613,244 alleles (0.0005%); highest among the groups gnomAD compares: African/African-American, 0.0027%; no homozygotes.

Submission:

Labcorp Genetics (formerly Invitae), Labcorp
Classification: Uncertain significance for Hereditary spastic paraplegia 7. Last evaluated: 2023-06-29. Review status: criteria provided, single submitter. Criteria: Invitae Variant Classification Sherloc (09022015). Collection method: clinical testing. Allele origin: germline.
Comment: This sequence change replaces phenylalanine, which is neutral and non-polar, with leucine, which is neutral and non-polar, at codon 99 of the SPG7 protein (p.Phe99Leu). This variant is not present in population databases (gnomAD no frequency). This variant has not been reported in the literature in individuals affected with SPG7-related conditions. Advanced modeling of protein sequence and biophysical properties (such as structural, functional, and spatial information, amino acid conservation, physicochemical variation, residue mobility, and thermodynamic stability) performed at Invitae indicates that this missense variant is not expected to disrupt SPG7 protein function. In summary, the available evidence is currently insufficient to determine the role of this variant in disease. Therefore, it has been classified as a Variant of Uncertain Significance.